The following is an entry in ClinVar:

NM_014140.4(SMARCAL1):c.545G>T (p.Gly182Val)

Gene: SMARCAL1 (SNF2 related chromatin remodeling annealing helicase 1; plus strand). Cytogenetic location: 2q35.
Variant type: single nucleotide variant.
Coding change: c.545G>T on transcript NM_014140.4 (MANE Select); coding-DNA position 545, G replaced by T.
Protein change: p.Gly182Val; replaces glycine 182 with valine.
Molecular consequence: missense variant.
Genome position (GRCh38, 1-based): chr2:216,415,249, G>T. VCF-style: chr2-216415249-G-T. GRCh37 (hg19) VCF-style: chr2-217279972-G-T.
Other names: c.545G>T, p.Gly182Val (NM_001127207.2); short protein forms G182V.
Identifiers: ClinVar variation 2012613 (VCV002012613.4), dbSNP rs768649610, ClinGen allele CA350497535.
Genomic context (GRCh38, chr2:216,415,249, plus strand): 5'-CAACTCATAAGCCTCTGGCCAAACCAAAGAGTTCCCAAGAGACACCAGCTCATTCCTCTG[G>T]ACAGCCTCCCAGGGATGCTAAGTTAGAGGCCAAGACAGCAAAAGCCTCCCCTTCGGGGCA-3'
Protein context (NP_054859.2, residues 172-192): SSQETPAHSS[Gly182Val]QPPRDAKLEA

ClinVar aggregate classification (germline): Uncertain significance (1 of 4 stars; one submission).

Conditions:
Schimke immuno-osseous dysplasia (SIOD). Also called: Schimke Immunoosseous Dysplasia. Identifiers: Orphanet 1830, MedGen C0877024, MONDO:0009458, OMIM 242900.

Submission:

Labcorp Genetics (formerly Invitae), Labcorp
Classification: Uncertain significance for Schimke immuno-osseous dysplasia. Last evaluated: 2023-10-30. Review status: criteria provided, single submitter. Criteria: Invitae Variant Classification Sherloc (09022015). Collection method: clinical testing. Allele origin: germline.
Comment: This sequence change replaces glycine, which is neutral and non-polar, with valine, which is neutral and non-polar, at codon 182 of the SMARCAL1 protein (p.Gly182Val). This variant is not present in population databases (gnomAD no frequency). This variant has not been reported in the literature in individuals affected with SMARCAL1-related conditions. ClinVar contains an entry for this variant (Variation ID: 2012613). Advanced modeling of protein sequence and biophysical properties (such as structural, functional, and spatial information, amino acid conservation, physicochemical variation, residue mobility, and thermodynamic stability) performed at Invitae indicates that this missense variant is not expected to disrupt SMARCAL1 protein function with a negative predictive value of 80%. In summary, the available evidence is currently insufficient to determine the role of this variant in disease. Therefore, it has been classified as a Variant of Uncertain Significance.